The following is an entry in ClinVar:

ClinVar aggregate classification (germline): Uncertain significance (1 of 4 stars; one submission).

Allele frequency attached by ClinVar (database versions not stated): gnomAD exomes below 0.00001; ExAC 0.00001.
gnomAD v4.1: 1 of 1,611,448 alleles (0.000062%); highest among the groups gnomAD compares: East Asian, 0.0022%; no homozygotes.

Submission:

Labcorp Genetics (formerly Invitae), Labcorp
Classification: Uncertain significance. Last evaluated: 2024-10-24. Review status: criteria provided, single submitter. Criteria: Invitae Variant Classification Sherloc (09022015). Collection method: clinical testing. Allele origin: germline.
Comment: This sequence change replaces glutamine, which is neutral and polar, with leucine, which is neutral and non-polar, at codon 1601 of the LRRK1 protein (p.Gln1601Leu). This variant is present in population databases (rs759987456, gnomAD 0.006%). This variant has not been reported in the literature in individuals affected with LRRK1-related conditions. ClinVar contains an entry for this variant (Variation ID: 1419871). An algorithm developed to predict the effect of missense changes on protein structure and function (PolyPhen-2) suggests that this variant is likely to be disruptive. In summary, the available evidence is currently insufficient to determine the role of this variant in disease. Therefore, it has been classified as a Variant of Uncertain Significance.

NM_024652.6(LRRK1):c.4802A>T (p.Gln1601Leu)

Genes: LRRK1 (leucine rich repeat kinase 1; plus strand), LRRK1-AS1 (LRRK1 antisense RNA 1; minus strand). Cytogenetic location: 15q26.3.
Variant type: single nucleotide variant.
Coding change: c.4802A>T on transcript NM_024652.6 (MANE Select); coding-DNA position 4802, A replaced by T.
Protein change: p.Gln1601Leu; replaces glutamine 1601 with leucine.
Molecular consequence: missense variant.
Genome position (GRCh38, 1-based): chr15:101,062,578, A>T. VCF-style: chr15-101062578-A-T. GRCh37 (hg19) VCF-style: chr15-101602783-A-T.
Other names: short protein forms Q1601L.
Identifiers: ClinVar variation 1419871 (VCV001419871.7), dbSNP rs759987456, ClinGen allele CA7761980.